The following is an entry in ClinVar:

NM_030962.4(SBF2):c.2457T>G (p.Ile819Met)

Genes: SBF2 (SET binding factor 2; minus strand), LOC101928008 (uncharacterized LOC101928008; plus strand). Cytogenetic location: 11p15.4.
Variant type: single nucleotide variant.
Coding change: c.2457T>G on transcript NM_030962.4 (MANE Select); coding-DNA position 2457, T replaced by G.
Protein change: p.Ile819Met; replaces isoleucine 819 with methionine.
Molecular consequence: missense variant.
Genome position (GRCh38, 1-based): chr11:9,853,619, A>C on the plus strand (T>G on the coding strand, the complement: SBF2 is on the minus strand). VCF-style: chr11-9853619-A-C. GRCh37 (hg19) VCF-style: chr11-9875166-A-C.
Other names: c.2457T>G, p.Ile819Met (NM_001386339.1); c.2328T>G, p.Ile776Met (NM_001386342.1); short protein forms I819M, I776M.
Identifiers: ClinVar variation 579244 (VCV000579244.12), dbSNP rs746363004, ClinGen allele CA5881557.
Genomic context (GRCh38, chr11:9,853,619, plus strand): 5'-GCTCTTGATGTGATCCTGAGTAACTCCACTCTCTGTACAAACTTTGTCAATAAATCGGGT[A>C]ATGAACCGCACAACAGAATTGGCAATGTCAGTATTCTCTGAATCTTCAAACCCACTCTCT-3'
Protein context (NP_112224.1, residues 809-829): TDIANSVVRF[Ile819Met]TRFIDKVCTE

ClinVar aggregate classification (germline): Uncertain significance. Review status: criteria provided, multiple submitters, no conflicts (2 of 4 stars). 3 submissions from 3 submitters: Uncertain significance (3). Last evaluated 2025-07-31.

Conditions:
Inborn genetic diseases. Identifiers: MedGen C0950123, MeSH D030342.
Charcot-Marie-Tooth disease type 4. Also called: Charcot-Marie-Tooth disease, type IV; Charcot-Marie-Tooth, Type 4. Identifiers: Orphanet 64749, MedGen C4082197, MONDO:0018995.
Charcot-Marie-Tooth disease type 4B2. Also called: Charcot-Marie-Tooth Neuropathy Type 4B2; CMT 4B2; CHARCOT-MARIE-TOOTH DISEASE, DEMYELINATING, TYPE 4B2; CHARCOT-MARIE-TOOTH DISEASE, WITH FOCALLY FOLDED MYELIN SHEATHS, AUTOSOMAL RECESSIVE, TYPE 4B2. Identifiers: Orphanet 99956, MedGen C1858278, MONDO:0011475, OMIM 604563.

Allele frequency attached by ClinVar (database versions not stated): TOPMed 0.00001; ExAC 0.00002; gnomAD 0.00003.
gnomAD v4.1: 36 of 1,613,996 alleles (0.0022%); highest among the groups gnomAD compares: Non-Finnish European, 0.0029%; no homozygotes.

Submissions (3):

Ambry Genetics
Classification: Uncertain significance for Inborn genetic diseases. Last evaluated: 2025-07-31. Review status: criteria provided, single submitter. Criteria: Ambry Variant Classification Scheme 2023. Collection method: clinical testing. Allele origin: germline.

Labcorp Genetics (formerly Invitae), Labcorp
Classification: Uncertain significance for Charcot-Marie-Tooth disease type 4. Last evaluated: 2022-08-05. Review status: criteria provided, single submitter. Criteria: Invitae Variant Classification Sherloc (09022015). Collection method: clinical testing. Allele origin: germline.
Comment: This sequence change replaces isoleucine, which is neutral and non-polar, with methionine, which is neutral and non-polar, at codon 819 of the SBF2 protein (p.Ile819Met). This variant is present in population databases (rs746363004, gnomAD 0.003%). This variant has not been reported in the literature in individuals affected with SBF2-related conditions. ClinVar contains an entry for this variant (Variation ID: 579244). Algorithms developed to predict the effect of missense changes on protein structure and function are either unavailable or do not agree on the potential impact of this missense change (SIFT: "Deleterious"; PolyPhen-2: "Probably Damaging"; Align-GVGD: "Class C0"). In summary, the available evidence is currently insufficient to determine the role of this variant in disease. Therefore, it has been classified as a Variant of Uncertain Significance.

Illumina Laboratory Services, Illumina
Classification: Uncertain significance for Charcot-Marie-Tooth disease type 4B2. Last evaluated: 2018-01-13. Review status: criteria provided, single submitter. Criteria: ICSL Variant Classification Criteria 13 December 2019. Collection method: clinical testing. Allele origin: germline.